The following is an entry in ClinVar:

ClinVar aggregate classification (germline): Uncertain significance. Review status: criteria provided, multiple submitters, no conflicts (2 of 4 stars). 2 submissions from 2 submitters: Uncertain significance (2). Last evaluated 2022-10-27.

Conditions:
Gorlin syndrome. Also called: Nevoid Basal Cell Carcinoma Syndrome; Basal cell nevus syndrome. Identifiers: Orphanet 377, MedGen C0004779, MONDO:0007187.
Hereditary cancer-predisposing syndrome. Also called: Neoplastic Syndromes, Hereditary; Tumor predisposition; Hereditary neoplastic syndrome; Hereditary Cancer Syndrome. Identifiers: Orphanet 140162, MedGen C0027672, MeSH D009386, MONDO:0015356.

Allele frequency attached by ClinVar (database versions not stated): gnomAD exomes below 0.00001.
gnomAD v4.1: 1 of 1,613,970 alleles (0.000062%); highest among the groups gnomAD compares: Non-Finnish European, 0.000085%; no homozygotes.

Submissions (2):

Ambry Genetics
Classification: Uncertain significance for Hereditary cancer-predisposing syndrome. Last evaluated: 2022-10-27. Review status: criteria provided, single submitter. Criteria: Ambry Variant Classification Scheme 2023. Collection method: clinical testing. Allele origin: germline.
Comment: The p.A558T variant (also known as c.1672G>A), located in coding exon 12 of the PTCH1 gene, results from a G to A substitution at nucleotide position 1672. The alanine at codon 558 is replaced by threonine, an amino acid with similar properties. This amino acid position is conserved. In addition, this alteration is predicted to be deleterious by in silico analysis. Since supporting evidence is limited at this time, the clinical significance of this alteration remains unclear.

Labcorp Genetics (formerly Invitae), Labcorp
Classification: Uncertain significance for Gorlin syndrome. Last evaluated: 2021-01-28. Review status: criteria provided, single submitter. Criteria: Invitae Variant Classification Sherloc (09022015). Collection method: clinical testing. Allele origin: germline.
Comment: This sequence change replaces alanine with threonine at codon 558 of the PTCH1 protein (p.Ala558Thr). The alanine residue is moderately conserved and there is a small physicochemical difference between alanine and threonine. In summary, the available evidence is currently insufficient to determine the role of this variant in disease. Therefore, it has been classified as a Variant of Uncertain Significance. Algorithms developed to predict the effect of missense changes on protein structure and function are either unavailable or do not agree on the potential impact of this missense change (SIFT: "Tolerated"; PolyPhen-2: "Possibly Damaging"; Align-GVGD: "Class C0"). This variant has not been reported in the literature in individuals with PTCH1-related conditions. This variant is not present in population databases (ExAC no frequency).

NM_000264.5(PTCH1):c.1672G>A (p.Ala558Thr)

Gene: PTCH1 (patched 1; minus strand). Cytogenetic location: 9q22.32.
Variant type: single nucleotide variant.
Coding change: c.1672G>A on transcript NM_000264.5 (MANE Select); coding-DNA position 1672, G replaced by A.
Protein change: p.Ala558Thr; replaces alanine 558 with threonine.
Molecular consequence: missense variant. On other transcripts: non-coding transcript variant (1).
Genome position (GRCh38, 1-based): chr9:95,476,090, C>T on the plus strand (G>A on the coding strand, the complement: PTCH1 is on the minus strand). VCF-style: chr9-95476090-C-T. GRCh37 (hg19) VCF-style: chr9-98238372-C-T.
Other names: c.1219G>A, p.Ala407Thr (NM_001083607.3, NM_001083604.3, NM_001083605.3 and 1 more transcripts); c.1516G>A, p.Ala506Thr (NM_001354918.2); c.1474G>A, p.Ala492Thr (NM_001083602.3); c.1669G>A, p.Ala557Thr (NM_001083603.3); short protein forms A407T, A506T, A492T, A558T, A557T.
Identifiers: ClinVar variation 1489027 (VCV001489027.10), dbSNP rs2118253278, ClinGen allele CA374117990.